The following is an entry in ClinVar:

ClinVar aggregate classification (germline): Uncertain significance (1 of 4 stars; one submission).

Conditions:
Warburg micro syndrome 2 (WARBM2). Also called: MICRO SYNDROME 2. Identifiers: Orphanet 2510, MedGen C3280214, MONDO:0013641, OMIM 614225.
Martsolf syndrome (MARTS). Also called: Congenital cataract with intellectual disability and hypogonadotropic hypogonadism syndrome. Identifiers: Orphanet 1387, MedGen C0796037, MONDO:0023910.

Submission:

Labcorp Genetics (formerly Invitae), Labcorp
Classification: Uncertain significance for Martsolf syndrome; Warburg micro syndrome 2. Last evaluated: 2025-10-08. Review status: criteria provided, single submitter. Criteria: Invitae Variant Classification Sherloc (09022015). Collection method: clinical testing. Allele origin: germline.
Comment: This sequence change replaces serine, which is neutral and polar, with asparagine, which is neutral and polar, at codon 802 of the RAB3GAP2 protein (p.Ser802Asn). This variant is not present in population databases (gnomAD no frequency). This variant has not been reported in the literature in individuals affected with RAB3GAP2-related conditions. Invitae Evidence Modeling of protein sequence and biophysical properties (such as structural, functional, and spatial information, amino acid conservation, physicochemical variation, residue mobility, and thermodynamic stability) indicates that this missense variant is not expected to disrupt RAB3GAP2 protein function with a negative predictive value of 80%. In summary, the available evidence is currently insufficient to determine the role of this variant in disease. Therefore, it has been classified as a Variant of Uncertain Significance.

NM_012414.4(RAB3GAP2):c.2405G>A (p.Ser802Asn)

Gene: RAB3GAP2 (RAB3 GTPase activating non-catalytic protein subunit 2; minus strand). Cytogenetic location: 1q41.
Variant type: single nucleotide variant.
Coding change: c.2405G>A on transcript NM_012414.4 (MANE Select); coding-DNA position 2405, G replaced by A.
Protein change: p.Ser802Asn; replaces serine 802 with asparagine.
Molecular consequence: missense variant.
Genome position (GRCh38, 1-based): chr1:220,172,648, C>T on the plus strand (G>A on the coding strand, the complement: RAB3GAP2 is on the minus strand). VCF-style: chr1-220172648-C-T. GRCh37 (hg19) VCF-style: chr1-220345990-C-T.
Other names: short protein forms S802N.
Identifiers: ClinVar variation 4790482 (VCV004790482.1).